The following is an entry in ClinVar:

ClinVar aggregate classification (germline): Conflicting classifications of pathogenicity. Review status: criteria provided, conflicting classifications (1 of 4 stars). 4 submissions from 4 submitters: Uncertain significance (3); Benign (1). Last evaluated 2025-10-13.

Conditions:
Hereditary cancer-predisposing syndrome. Also called: Hereditary Cancer Syndrome; Hereditary neoplastic syndrome; Neoplastic Syndromes, Hereditary; Tumor predisposition. Identifiers: Orphanet 140162, MedGen C0027672, MeSH D009386, MONDO:0015356.
Tuberous sclerosis 2 (TSC2). Identifiers: Orphanet 805, MedGen C1860707, MONDO:0013199, OMIM 613254.

Allele frequency attached by ClinVar (database versions not stated): gnomAD 0.00001.
gnomAD v4.1: 1 of 1,613,632 alleles (0.000062%); highest among the groups gnomAD compares: Non-Finnish European, 0.000085%; no homozygotes.

Submissions (4):

Labcorp Genetics (formerly Invitae), Labcorp
Classification: Benign for Tuberous sclerosis 2. Last evaluated: 2025-10-13. Review status: criteria provided, single submitter. Criteria: Invitae Variant Classification Sherloc (09022015). Collection method: clinical testing. Allele origin: germline.

Ambry Genetics
Classification: Uncertain significance for Hereditary cancer-predisposing syndrome. Last evaluated: 2025-09-07. Review status: criteria provided, single submitter. Criteria: Ambry Variant Classification Scheme 2023. Collection method: clinical testing. Allele origin: germline.
Comment: The p.T521R variant (also known as c.1562C>G), located in coding exon 14 of the TSC2 gene, results from a C to G substitution at nucleotide position 1562. The threonine at codon 521 is replaced by arginine, an amino acid with similar properties. This amino acid position is well conserved in available vertebrate species. In addition, this alteration is predicted to be deleterious by in silico analysis. Since supporting evidence is limited at this time, the clinical significance of this alteration remains unclear.

Revvity Omics, Revvity
Classification: Uncertain significance for Tuberous sclerosis 2. Last evaluated: 2025-05-06. Review status: criteria provided, single submitter. Criteria: ACMG Guidelines, 2015. Collection method: clinical testing. Allele origin: germline.

GeneDx
Classification: Uncertain significance. Last evaluated: 2023-02-27. Review status: criteria provided, single submitter. Criteria: GeneDx Variant Classification Process June 2021. Collection method: clinical testing. Allele origin: germline. Affected: yes.
Comment: In silico analysis supports that this missense variant has a deleterious effect on protein structure/function; Observed in an individual with unspecified cancer (Mandelker et al., 2017); This variant is associated with the following publications: (PMID: 30911571, 28873162)

Literature cited by the submitters: PubMed 30911571 (cited by Ambry Genetics).

NM_000548.5(TSC2):c.1562C>G (p.Thr521Arg)

Gene: TSC2 (TSC complex subunit 2; plus strand). Cytogenetic location: 16p13.3.
Variant type: single nucleotide variant.
Coding change: c.1562C>G on transcript NM_000548.5 (MANE Select); coding-DNA position 1562, C replaced by G.
Protein change: p.Thr521Arg; replaces threonine 521 with arginine.
Molecular consequence: missense variant.
Genome position (GRCh38, 1-based): chr16:2,064,390, C>G. VCF-style: chr16-2064390-C-G. GRCh37 (hg19) VCF-style: chr16-2114391-C-G.
Other names: c.1562C>G, p.Thr521Arg (NM_001077183.3, NM_001114382.3, NM_001363528.2 and 3 more transcripts); c.1451C>G, p.Thr484Arg (NM_001318827.2); c.1415C>G, p.Thr472Arg (NM_001318829.2); c.962C>G, p.Thr321Arg (NM_001318831.2); c.1595C>G, p.Thr532Arg (NM_001318832.2); short protein forms T484R, T321R, T472R, T521R, T532R.
Identifiers: ClinVar variation 846105 (VCV000846105.13), dbSNP rs1378972928, ClinGen allele CA394326543.
Genomic context (GRCh38, chr16:2,064,390, plus strand): 5'-ACCACCAGGTCCGAAAGCTGGCCACCCAGTTGCTGGTGGACCTGGCAGAGGGCTGCCACA[C>G]ACACCACTTCAACAGCCTGCTGGACATCATCGAGAAGGTGAGAGCCGTTGTACCCGGGGC-3'
Protein context (NP_000539.2, residues 511-531): LLVDLAEGCH[Thr521Arg]HHFNSLLDII